The following is an entry in ClinVar:

ClinVar aggregate classification (germline): Uncertain significance (1 of 4 stars; one submission).

Conditions:
Brugada syndrome. Also called: Sudden Unexplained Death Syndrome; Sudden Unexplained Nocturnal Death Syndrome (SUNDS); Sudden unexpected nocturnal death syndrome; Sudden unexplained nocturnal death syndrome. Identifiers: Orphanet 130, MedGen C1142166, MONDO:0015263.

Submission:

Labcorp Genetics (formerly Invitae), Labcorp
Classification: Uncertain significance for Brugada syndrome. Last evaluated: 2025-02-13. Review status: criteria provided, single submitter. Criteria: Invitae Variant Classification Sherloc (09022015). Collection method: clinical testing. Allele origin: germline.
Comment: This sequence change falls in intron 10 of the SLMAP gene. It does not directly change the encoded amino acid sequence of the SLMAP protein. This variant is present in population databases (rs774622494, gnomAD 0.002%). This variant has not been reported in the literature in individuals affected with SLMAP-related conditions. Algorithms developed to predict the effect of sequence changes on RNA splicing suggest that this variant may disrupt the consensus splice site. In summary, the available evidence is currently insufficient to determine the role of this variant in disease. Therefore, it has been classified as a Variant of Uncertain Significance.

NM_001377540.1(SLMAP):c.1238-9_1238-6del

Gene: SLMAP (sarcolemma associated protein; plus strand). Cytogenetic location: 3p14.3.
Variant type: Microsatellite.
Coding change: c.1238-9_1238-6del on transcript NM_001377540.1 (MANE Select); 9 bases into the intron before coding-DNA position 1238 through 6 bases into the intron before coding-DNA position 1238, 4 bases deleted (CTTT; older notation c.1238-9_1238-6delCTTT).
Molecular consequence: intron variant.
Genome position (GRCh38, 1-based): chr3:57,871,627-57,871,630, CTTT deleted; deleting any 4 consecutive bases within chr3:57,871,620-57,871,630 gives the same sequence; the c. name uses the placement nearest the transcript's 3' end. VCF-style (leftmost placement, unchanged base first): chr3-57871619-GTTTC-G. GRCh37 (hg19) VCF-style: chr3-57857346-GTTTC-G.
Other names: c.1238-9_1238-6del (NM_001377538.1, NM_001377539.1, NM_001377555.1); c.1237+6335_1237+6338del (NM_001377545.1, NM_001377922.1); c.1187-9_1187-6del (NM_001377541.1, NM_001304420.3, NM_001377562.1 and 2 more transcripts); c.1186+6770_1186+6773del (NM_001377552.1, NM_001377551.1, NM_001377924.1); c.1136-9_1136-6del (NM_001377549.1, NM_007159.5, NM_001377923.1); c.1135+6911_1135+6914del (NM_001377559.1, NM_001377557.1, NM_001377925.1 and 1 more transcripts).
Identifiers: ClinVar variation 2045351 (VCV002045351.4), dbSNP rs774622494, ClinGen allele CA2467054.
Genomic context (GRCh38, chr3:57,871,619, plus strand): 5'-CAGTTTTCCTACCTTTGCTGTTGGTTTTCAAAGACAGCAACAAACTATATCCTTAAAGGT[GTTTC>G]TTTCTTTATTAGAGCACTTGCTTTCAAAGAGTGGCGGGGACTGCACTTTTATTCATCAAT-3'